The following is an entry in ClinVar:

NM_138387.4(G6PC3):c.416+1G>A

Gene: G6PC3 (glucose-6-phosphatase catalytic subunit 3; plus strand). Cytogenetic location: 17q21.31.
Variant type: single nucleotide variant.
Coding change: c.416+1G>A on transcript NM_138387.4 (MANE Select); the canonical splice donor site of the intron after coding-DNA position 416, G replaced by A.
Molecular consequence: splice donor variant.
Genome position (GRCh38, 1-based): chr17:44,074,771, G>A. VCF-style: chr17-44074771-G-A. GRCh37 (hg19) VCF-style: chr17-42152139-G-A.
Other names: c.71+1G>A (NM_001384168.1, NM_001384165.1, NM_001384166.1 and 1 more transcripts); c.416+1G>A (NM_001319945.2).
Identifiers: ClinVar variation 2838727 (VCV002838727.3), dbSNP rs1035282627, ClinGen allele CA399726549.

ClinVar aggregate classification (germline): Likely pathogenic (1 of 4 stars; one submission).

Conditions:
Autosomal recessive severe congenital neutropenia due to G6PC3 deficiency. Also called: NEUTROPENIA, SEVERE CONGENITAL, 4, AUTOSOMAL RECESSIVE; G6PC3 Deficiency. Identifiers: Orphanet 331176, MedGen C2751630, MONDO:0012930, OMIM 612541.

Submission:

Labcorp Genetics (formerly Invitae), Labcorp
Classification: Likely pathogenic for Autosomal recessive severe congenital neutropenia due to G6PC3 deficiency. Last evaluated: 2023-02-18. Review status: criteria provided, single submitter. Criteria: Invitae Variant Classification Sherloc (09022015). Collection method: clinical testing. Allele origin: germline.
Comment: In summary, the currently available evidence indicates that the variant is pathogenic, but additional data are needed to prove that conclusively. Therefore, this variant has been classified as Likely Pathogenic. Algorithms developed to predict the effect of sequence changes on RNA splicing suggest that this variant may disrupt the consensus splice site. This variant has not been reported in the literature in individuals affected with G6PC3-related conditions. This variant is not present in population databases (gnomAD no frequency). This sequence change affects a donor splice site in intron 3 of the G6PC3 gene. It is expected to disrupt RNA splicing. Variants that disrupt the donor or acceptor splice site typically lead to a loss of protein function (PMID: 16199547), and loss-of-function variants in G6PC3 are known to be pathogenic (PMID: 19118303, 25491320).

Literature cited by the submitters: PubMed 16199547; PubMed 19118303; PubMed 25491320.